The following is an entry in ClinVar:

NM_004385.5(VCAN):c.3548G>T (p.Gly1183Val)

Gene: VCAN (versican; plus strand). Cytogenetic location: 5q14.3.
Variant type: single nucleotide variant.
Coding change: c.3548G>T on transcript NM_004385.5 (MANE Select); coding-DNA position 3548, G replaced by T.
Protein change: p.Gly1183Val; replaces glycine 1183 with valine.
Molecular consequence: missense variant. On other transcripts: intron variant (2).
Genome position (GRCh38, 1-based): chr5:83,521,854, G>T. VCF-style: chr5-83521854-G-T. GRCh37 (hg19) VCF-style: chr5-82817673-G-T.
Other names: c.3548G>T, p.Gly1183Val (NM_001164098.2); c.1042+9458G>T (NM_001164097.2, NM_001126336.3); short protein forms G1183V.
Identifiers: ClinVar variation 1370648 (VCV001370648.6), dbSNP rs1746117863, ClinGen allele CA360306300.

ClinVar aggregate classification (germline): Uncertain significance (1 of 4 stars; one submission).

Allele frequency attached by ClinVar (database versions not stated): gnomAD 0.00001.
gnomAD v4.1: 1 of 1,613,972 alleles (0.000062%); highest among the groups gnomAD compares: Admixed American, 0.0017%; no homozygotes.

Submission:

Labcorp Genetics (formerly Invitae), Labcorp
Classification: Uncertain significance. Last evaluated: 2025-02-10. Review status: criteria provided, single submitter. Criteria: Invitae Variant Classification Sherloc (09022015). Collection method: clinical testing. Allele origin: germline.
Comment: This sequence change replaces glycine, which is neutral and non-polar, with valine, which is neutral and non-polar, at codon 1183 of the VCAN protein (p.Gly1183Val). This variant is not present in population databases (gnomAD no frequency). This variant has not been reported in the literature in individuals affected with VCAN-related conditions. ClinVar contains an entry for this variant (Variation ID: 1370648). An algorithm developed to predict the effect of missense changes on protein structure and function (PolyPhen-2) suggests that this variant is likely to be disruptive. In summary, the available evidence is currently insufficient to determine the role of this variant in disease. Therefore, it has been classified as a Variant of Uncertain Significance.